The following is an entry in ClinVar:

NM_020247.5(COQ8A):c.1936C>A (p.Gln646Lys)

Gene: COQ8A (coenzyme Q8A; plus strand). Cytogenetic location: 1q42.13.
Variant type: single nucleotide variant.
Coding change: c.1936C>A on transcript NM_020247.5 (MANE Select); coding-DNA position 1936, C replaced by A.
Protein change: p.Gln646Lys; replaces glutamine 646 with lysine.
Molecular consequence: missense variant.
Genome position (GRCh38, 1-based): chr1:226,986,729, C>A. VCF-style: chr1-226986729-C-A. GRCh37 (hg19) VCF-style: chr1-227174430-C-A.
Other names: p.Gln646Lys; short protein forms Q646K.
Identifiers: ClinVar variation 876627 (VCV000876627.10), dbSNP rs555171534, ClinGen allele CA1425710.
Genomic context (GRCh38, chr1:226,986,729, plus strand): 5'-CGCTTCCCCTGCAAGGCCATGTTCGAGGAGGCCTACAGCAACTACTGCAAGAGGCAGGCC[C>A]AGCAGTAGGGCTGCGGGCCACGCCCAGGCCGGCTCCGCGGGAACTCTCTCCCTCAGACAG-3'
Protein context (NP_064632.2, residues 636-647): AYSNYCKRQA[Gln646Lys]Q

ClinVar aggregate classification (germline): Conflicting classifications of pathogenicity. Review status: criteria provided, conflicting classifications (1 of 4 stars). 4 submissions from 4 submitters: Uncertain significance (3); Likely benign (1). Last evaluated 2025-09-02.

Conditions:
Autosomal recessive ataxia due to ubiquinone deficiency. Also called: SPINOCEREBELLAR ATAXIA, AUTOSOMAL RECESSIVE 9; Coenzyme Q10 deficiency, primary, 4. Identifiers: Orphanet 139485, MedGen C2677589, MONDO:0012784, OMIM 612016.

Allele frequency attached by ClinVar (database versions not stated): gnomAD below 0.00001 and 0.00004; TOPMed 0.00001; gnomAD exomes 0.00010 and 0.00023; 1000 Genomes Project 30x 0.00016; 1000 Genomes Project 0.00020; ExAC 0.00027.
gnomAD v4.1: 151 of 1,613,150 alleles (0.0094%); highest among the groups gnomAD compares: South Asian, 0.16%; 1 homozygote.

Submissions (4):

Labcorp Genetics (formerly Invitae), Labcorp
Classification: Likely benign. Last evaluated: 2025-09-02. Review status: criteria provided, single submitter. Criteria: Invitae Variant Classification Sherloc (09022015). Collection method: clinical testing. Allele origin: germline.

Mayo Clinic Laboratories, Mayo Clinic
Classification: Uncertain significance. Last evaluated: 2022-01-10. Review status: criteria provided, single submitter. Criteria: ACMG Guidelines, 2015. Collection method: clinical testing. Allele origin: germline. Observed: 1 variant allele.
Comment: BP4

Athena Diagnostics
Classification: Uncertain significance. Last evaluated: 2021-02-15. Review status: criteria provided, single submitter. Criteria: Athena Diagnostics criteria. Collection method: clinical testing. Allele origin: unknown.

Illumina Laboratory Services, Illumina
Classification: Uncertain significance for Autosomal recessive ataxia due to ubiquinone deficiency. Last evaluated: 2018-01-12. Review status: criteria provided, single submitter. Criteria: ICSL Variant Classification Criteria 13 December 2019. Collection method: clinical testing. Allele origin: germline.